The following is an entry in ClinVar:

ClinVar aggregate classification (germline): Pathogenic (1 of 4 stars; one submission).

Submission:

GeneDx
Classification: Pathogenic. Last evaluated: 2017-05-29. Review status: criteria provided, single submitter. Criteria: GeneDx Variant Classification (06012015). Collection method: clinical testing. Allele origin: germline. Affected: yes.
Comment: The c.3400delC variant in the SIN3A gene has not been reported previously as a pathogenic variant nor as a benign variant, to our knowledge. The c.3400delC variant causes a frameshift starting with codon Arginine 1134, changes this amino acid to a Glycine residue, and creates a premature Stop codon at position 38 of the new reading frame, denoted p.Arg1134GlyfsX38. This variant is predicted to cause loss of normal protein function either through protein truncation or nonsense-mediated mRNA decay. The c.3400delC variant is not observed in large population cohorts (Lek et al., 2016; 1000 Genomes Consortium et al., 2015; Exome Variant Server). We interpret c.3400delC as a pathogenic variant.

NM_001145358.2(SIN3A):c.3400del (p.Arg1134fs)

Gene: SIN3A (SIN3 transcription regulator family member A; minus strand). Cytogenetic location: 15q24.2.
Variant type: Deletion.
Coding change: c.3400del on transcript NM_001145358.2 (MANE Select); coding-DNA position 3400, one base deleted (C; older notation c.3400delC).
Protein change: p.Arg1134fs; shifts the reading frame from arginine 1134.
Molecular consequence: frameshift variant.
Genome position (GRCh38, 1-based): chr15:75,375,856, G deleted on the plus strand (C on the coding strand, the reverse complement: SIN3A is on the minus strand); the first of 2 consecutive G bases (chr15:75,375,856-75,375,857); deleting either gives the same sequence. VCF-style (leftmost placement, unchanged base first): chr15-75375855-CG-C. GRCh37 (hg19) VCF-style: chr15-75668196-CG-C.
Other names: c.3400del, p.Arg1134fs (NM_001145357.2, NM_015477.3); short protein forms R1134fs.
Identifiers: ClinVar variation 432491 (VCV000432491.2), dbSNP rs1555441161, ClinGen allele CA645373012.